The following is an entry in ClinVar:

NM_001267550.2(TTN):c.76328A>G (p.Glu25443Gly)

Genes: TTN (titin; minus strand), TTN-AS1 (TTN antisense RNA 1; plus strand). Cytogenetic location: 2q31.2.
Variant type: single nucleotide variant.
Coding change: c.76328A>G on transcript NM_001267550.2 (MANE Select); coding-DNA position 76328, A replaced by G.
Protein change: p.Glu25443Gly; replaces glutamic acid 25443 with glycine.
Molecular consequence: missense variant.
Genome position (GRCh38, 1-based): chr2:178,569,804, T>C on the plus strand (A>G on the coding strand, the complement: TTN is on the minus strand). VCF-style: chr2-178569804-T-C. GRCh37 (hg19) VCF-style: chr2-179434531-T-C.
Other names: c.71405A>G, p.Glu23802Gly (NM_001256850.1); c.49133A>G, p.Glu16378Gly (NM_003319.4); c.68624A>G, p.Glu22875Gly (NM_133378.4); c.49508A>G, p.Glu16503Gly (NM_133432.3); c.49709A>G, p.Glu16570Gly (NM_133437.4); short protein forms E16378G, E16503G, E16570G, E22875G, E23802G, E25443G.
Identifiers: ClinVar variation 3343891 (VCV003343891.1).

ClinVar aggregate classification (germline): Uncertain significance (1 of 4 stars; one submission).

gnomAD v4.1: 2 of 1,613,276 alleles (0.00012%); highest among the groups gnomAD compares: African/African-American, 0.0027%; no homozygotes.

Submission:

GeneDx
Classification: Uncertain significance. Last evaluated: 2024-03-15. Review status: criteria provided, single submitter. Criteria: GeneDx Variant Classification Process June 2021. Collection method: clinical testing. Allele origin: germline. Affected: yes.
Comment: Has not been previously published as pathogenic or benign to our knowledge; Not observed at significant frequency in large population cohorts (gnomAD); Missense variant in a gene in which most reported pathogenic variants are truncating/loss-of-function